The following is an entry in ClinVar:

NM_015213.4(DENND5A):c.1611A>G (p.Gln537=)

Gene: DENND5A (DENN domain containing 5A; minus strand). Cytogenetic location: 11p15.4.
Variant type: single nucleotide variant.
Coding change: c.1611A>G on transcript NM_015213.4 (MANE Select); coding-DNA position 1611, A replaced by G.
Protein change: p.Gln537=; no amino-acid change (glutamine 537 retained).
Molecular consequence: synonymous variant. On other transcripts: non-coding transcript variant (1).
Genome position (GRCh38, 1-based): chr11:9,178,918, T>C on the plus strand (A>G on the coding strand, the complement: DENND5A is on the minus strand). VCF-style: chr11-9178918-T-C. GRCh37 (hg19) VCF-style: chr11-9200465-T-C.
Other names: c.1611A>G, p.Gln537= (NM_001243254.2); c.1539A>G, p.Gln513= (NM_001348749.2); c.1323A>G, p.Gln441= (NM_001348750.2); c.1611A>G (NM_015213.3).
Identifiers: ClinVar variation 872300 (VCV000872300.48), dbSNP rs78439449, ClinGen allele CA5877557.

ClinVar aggregate classification (germline): Benign/Likely benign. Review status: criteria provided, multiple submitters, no conflicts (2 of 4 stars). 5 submissions from 5 submitters: Benign (1); Likely benign (3). 1 of the submissions does not count toward it. Last evaluated 2026-09-01.

Conditions:
DENND5A-related disorder. Also called: DENND5A-related condition.

Allele frequency attached by ClinVar (database versions not stated): 1000 Genomes Project 0.00280; 1000 Genomes Project 30x 0.00328; gnomAD 0.00410 and 0.00421; ExAC 0.00427; gnomAD exomes 0.00427; TOPMed 0.00454; ESP Exome Variant Server 0.00493.
gnomAD v4.1: 8,593 of 1,614,134 alleles (0.53%); highest among the groups gnomAD compares: Non-Finnish European, 0.6%; 44 homozygotes.

Submissions (5):

CeGaT Center for Human Genetics Tuebingen
Classification: Likely benign. Last evaluated: 2026-09-01. Review status: criteria provided, single submitter. Criteria: CeGaT Center For Human Genetics Tuebingen Variant Classification Criteria Version 2. Collection method: clinical testing. Allele origin: germline. Affected: yes. Observed: 35 variant alleles.
Comment: DENND5A: BP4, BP7, BS2

Labcorp Genetics (formerly Invitae), Labcorp
Classification: Benign. Last evaluated: 2026-01-28. Review status: criteria provided, single submitter. Criteria: Invitae Variant Classification Sherloc (09022015). Collection method: clinical testing. Allele origin: germline.

Blueprint Genetics
Classification: Likely benign. Last evaluated: 2024-11-26. Review status: criteria provided, single submitter. Criteria: ACMG Guidelines, 2015. Collection method: clinical testing. Allele origin: germline.

Breakthrough Genomics
Classification: Likely benign. Review status: criteria provided, single submitter. Criteria: ACMG Guidelines, 2015. Collection method: not provided. Allele origin: germline. Inheritance: Autosomal recessive inheritance. Affected: yes.

PreventionGenetics, part of Exact Sciences
Classification: Benign for DENND5A-related condition. Last evaluated: 2023-12-29. Review status: no assertion criteria provided. Collection method: clinical testing. Allele origin: germline. Not counted in ClinVar's aggregate classification.
Comment: This variant is classified as benign based on ACMG/AMP sequence variant interpretation guidelines (Richards et al. 2015 PMID: 25741868, with internal and published modifications).